The following is an entry in ClinVar:

ClinVar aggregate classification (germline): Uncertain significance. Review status: criteria provided, multiple submitters, no conflicts (2 of 4 stars). 2 submissions from 2 submitters: Uncertain significance (2). Last evaluated 2022-07-12.

Conditions:
Inborn genetic diseases. Identifiers: MedGen C0950123, MeSH D030342.

Allele frequency attached by ClinVar (database versions not stated): gnomAD 0.00001 and 0.00002; gnomAD exomes 0.00001; TOPMed 0.00002.

Submissions (2):

Labcorp Genetics (formerly Invitae), Labcorp
Classification: Uncertain significance. Last evaluated: 2022-07-12. Review status: criteria provided, single submitter. Criteria: Invitae Variant Classification Sherloc (09022015). Collection method: clinical testing. Allele origin: germline.
Comment: Algorithms developed to predict the effect of missense changes on protein structure and function are either unavailable or do not agree on the potential impact of this missense change (SIFT: "Deleterious"; PolyPhen-2: "Probably Damaging"; Align-GVGD: "Class C0"). In summary, the available evidence is currently insufficient to determine the role of this variant in disease. Therefore, it has been classified as a Variant of Uncertain Significance. ClinVar contains an entry for this variant (Variation ID: 1347215). This variant has not been reported in the literature in individuals affected with DOCK6-related conditions. This variant is present in population databases (no rsID available, gnomAD 0.004%). This sequence change replaces arginine, which is basic and polar, with tryptophan, which is neutral and slightly polar, at codon 93 of the DOCK6 protein (p.Arg93Trp).

Ambry Genetics
Classification: Uncertain significance for Inborn genetic diseases. Last evaluated: 2021-08-17. Review status: criteria provided, single submitter. Criteria: Ambry Variant Classification Scheme 2023. Collection method: clinical testing. Allele origin: germline.

NM_020812.4(DOCK6):c.277C>T (p.Arg93Trp)

Gene: DOCK6 (dedicator of cytokinesis 6; minus strand). Cytogenetic location: 19p13.2.
Variant type: single nucleotide variant.
Coding change: c.277C>T on transcript NM_020812.4 (MANE Select); coding-DNA position 277, C replaced by T.
Protein change: p.Arg93Trp; replaces arginine 93 with tryptophan.
Molecular consequence: missense variant.
Genome position (GRCh38, 1-based): chr19:11,252,814, G>A on the plus strand (C>T on the coding strand, the complement: DOCK6 is on the minus strand). VCF-style: chr19-11252814-G-A. GRCh37 (hg19) VCF-style: chr19-11363490-G-A.
Other names: c.277C>T, p.Arg93Trp (NM_001367830.1); c.277C>T (NM_020812.2); short protein forms R93W.
Identifiers: ClinVar variation 1347215 (VCV001347215.7), dbSNP rs1447902915, ClinGen allele CA404118450.